The following is an entry in ClinVar:

ClinVar aggregate classification (germline): Uncertain significance. Review status: criteria provided, multiple submitters, no conflicts (2 of 4 stars). 6 submissions from 6 submitters: Uncertain significance (6). Last evaluated 2024-09-04.

Conditions:
Cardiovascular phenotype. Identifiers: MedGen CN230736.
Long QT syndrome (LQTS). Identifiers: MedGen C0023976, MeSH D008133, MONDO:0002442. Disease mechanism: loss of function. Inheritance: Various modes of inheritance.
Long QT syndrome 12 (LQT12). Identifiers: Orphanet 101016, Orphanet 768, MedGen C2751830, MONDO:0013062, OMIM 612955.

Allele frequency attached by ClinVar (database versions not stated): gnomAD 0.00004; TOPMed 0.00005.
gnomAD v4.1: 17 of 1,611,318 alleles (0.0011%); highest among the groups gnomAD compares: African/African-American, 0.0094%; no homozygotes.

Submissions (6):

Women's Health and Genetics/Laboratory Corporation of America, LabCorp
Classification: Uncertain significance. Last evaluated: 2024-09-04. Review status: criteria provided, single submitter. Criteria: LabCorp Variant Classification Summary - May 2015. Collection method: clinical testing. Allele origin: germline.

Ambry Genetics
Classification: Uncertain significance for Cardiovascular phenotype. Last evaluated: 2024-06-27. Review status: criteria provided, single submitter. Criteria: Ambry Variant Classification Scheme 2023. Collection method: clinical testing. Allele origin: germline.
Comment: The p.R331H variant (also known as c.992G>A), located in coding exon 5 of the SNTA1 gene, results from a G to A substitution at nucleotide position 992. The arginine at codon 331 is replaced by histidine, an amino acid with highly similar properties. This amino acid position is well conserved in available vertebrate species. In addition, this alteration is predicted to be tolerated by in silico analysis. Since supporting evidence is limited at this time, the clinical significance of this alteration remains unclear.

Labcorp Genetics (formerly Invitae), Labcorp
Classification: Uncertain significance for Long QT syndrome. Last evaluated: 2023-06-15. Review status: criteria provided, single submitter. Criteria: Invitae Variant Classification Sherloc (09022015). Collection method: clinical testing. Allele origin: germline.
Comment: This sequence change replaces arginine, which is basic and polar, with histidine, which is basic and polar, at codon 331 of the SNTA1 protein (p.Arg331His). The frequency data for this variant in the population databases is considered unreliable, as metrics indicate poor data quality at this position in the gnomAD database. This variant has not been reported in the literature in individuals affected with SNTA1-related conditions. ClinVar contains an entry for this variant (Variation ID: 190917). Advanced modeling of protein sequence and biophysical properties (such as structural, functional, and spatial information, amino acid conservation, physicochemical variation, residue mobility, and thermodynamic stability) performed at Invitae indicates that this missense variant is not expected to disrupt SNTA1 protein function. In summary, the available evidence is currently insufficient to determine the role of this variant in disease. Therefore, it has been classified as a Variant of Uncertain Significance.

Fulgent Genetics
Classification: Uncertain significance for Long QT syndrome 12. Last evaluated: 2021-10-21. Review status: criteria provided, single submitter. Criteria: ACMG Guidelines, 2015. Collection method: clinical testing. Allele origin: unknown.

Illumina Laboratory Services, Illumina
Classification: Uncertain significance for Long QT syndrome 12. Last evaluated: 2018-01-13. Review status: criteria provided, single submitter. Criteria: ICSL Variant Classification Criteria 13 December 2019. Collection method: clinical testing. Allele origin: germline.

GeneDx
Classification: Uncertain significance. Last evaluated: 2014-06-18. Review status: criteria provided, single submitter. Criteria: GeneDx Variant Classification (06012015). Collection method: clinical testing. Allele origin: germline. Affected: yes.
Comment: The R331H variant has not been published as a mutation, nor has it been reported as a benign polymorphism to our knowledge. The R331H variant was not observed in approximately 6,500 individuals of European and African American ancestry in the NHLBI Exome Sequencing Project, indicating it is not a common benign variant in these populations. Although the R331H variant is a conservative amino acid substitution, which is not likely to impact secondary protein structure as these residues share similar properties, this substitution occurs at a position that is conserved in mammals. In silico analysis predicts this variant is probably damaging to the protein structure/function. However, no missense mutations in nearby residues have been reported in association with LQTS or arrhythmia, suggesting this region of the protein may be tolerant of change. Therefore, based on the currently available information, it is unclear whether this variant is a pathogenic mutation or a rare benign variant. The variant is found in ARRHYTHMIA panel(s).

NM_003098.3(SNTA1):c.992G>A (p.Arg331His)

Gene: SNTA1 (syntrophin alpha 1; minus strand). Cytogenetic location: 20q11.21.
Variant type: single nucleotide variant.
Coding change: c.992G>A on transcript NM_003098.3 (MANE Select); coding-DNA position 992, G replaced by A.
Protein change: p.Arg331His; replaces arginine 331 with histidine.
Molecular consequence: missense variant.
Genome position (GRCh38, 1-based): chr20:33,412,344, C>T on the plus strand (G>A on the coding strand, the complement: SNTA1 is on the minus strand). VCF-style: chr20-33412344-C-T. GRCh37 (hg19) VCF-style: chr20-32000150-C-T.
Other names: p.R331H:CGC>CAC; short protein forms R331H.
Identifiers: ClinVar variation 190917 (VCV000190917.18), dbSNP rs575431717, ClinGen allele CA302279.